The following is an entry in ClinVar:

NM_001267550.2(TTN):c.8673C>T (p.Ile2891=)

Gene: TTN (titin; minus strand). Cytogenetic location: 2q31.2.
Variant type: single nucleotide variant.
Coding change: c.8673C>T on transcript NM_001267550.2 (MANE Select); coding-DNA position 8673, C replaced by T.
Protein change: p.Ile2891=; no amino-acid change (isoleucine 2891 retained).
Molecular consequence: synonymous variant.
Genome position (GRCh38, 1-based): chr2:178,769,908, G>A on the plus strand (C>T on the coding strand, the complement: TTN is on the minus strand). VCF-style: chr2-178769908-G-A. GRCh37 (hg19) VCF-style: chr2-179634635-G-A.
Other names: c.8673C>T, p.Ile2891= (NM_001256850.1, NM_133378.4, NM_133379.5); c.8535C>T, p.Ile2845= (NM_003319.4, NM_133432.3, NM_133437.4).
Identifiers: ClinVar variation 2167415 (VCV002167415.7), dbSNP rs766867322, ClinGen allele CA2004552.

ClinVar aggregate classification (germline): Likely benign. Review status: criteria provided, multiple submitters, no conflicts (2 of 4 stars). 3 submissions from 3 submitters: Likely benign (3). Last evaluated 2026-01-20.

Conditions:
Cardiovascular phenotype. Identifiers: MedGen CN230736.
TTN-related disorder. Also called: TTN-related condition; TTN-related disease; TTN-related disorders.
Dilated cardiomyopathy 1G (CMD1G). Identifiers: Orphanet 154, MedGen C1858763, MONDO:0011400, OMIM 604145.
Autosomal recessive limb-girdle muscular dystrophy type 2J (LGMDR10). Also called: Limb-girdle muscular dystrophy, type 2J; MUSCULAR DYSTROPHY, LIMB-GIRDLE, AUTOSOMAL RECESSIVE 10. Identifiers: Orphanet 140922, MedGen C1837342, MONDO:0012127, OMIM 608807.

Allele frequency attached by ClinVar (database versions not stated): ExAC 0.00003; gnomAD 0.00004.
gnomAD v4.1: 42 of 1,613,926 alleles (0.0026%); highest among the groups gnomAD compares: East Asian, 0.056%; no homozygotes.

Submissions (3):

PreventionGenetics, part of Exact Sciences
Classification: Likely benign for TTN-related condition. Last evaluated: 2026-01-20. Review status: criteria provided, single submitter. Criteria: ACMG Guidelines, 2015. Collection method: clinical testing. Allele origin: germline.
Comment: This variant is classified as likely benign based on ACMG/AMP sequence variant interpretation guidelines (Richards et al. 2015 PMID: 25741868, with internal and published modifications).

Labcorp Genetics (formerly Invitae), Labcorp
Classification: Likely benign for Dilated cardiomyopathy 1G; Autosomal recessive limb-girdle muscular dystrophy type 2J. Last evaluated: 2025-09-20. Review status: criteria provided, single submitter. Criteria: Invitae Variant Classification Sherloc (09022015). Collection method: clinical testing. Allele origin: germline.

Ambry Genetics
Classification: Likely benign for Cardiovascular phenotype. Last evaluated: 2023-01-05. Review status: criteria provided, single submitter. Criteria: Ambry Variant Classification Scheme 2023. Collection method: clinical testing. Allele origin: germline.